The following is an entry in ClinVar:

ClinVar aggregate classification (germline): Benign. Review status: criteria provided, multiple submitters, no conflicts (2 of 4 stars). 8 submissions from 8 submitters: Benign (7). 1 of the submissions does not count toward it. Last evaluated 2026-02-01.

Conditions:
Epidermolysis bullosa simplex, Ogna type (EBS5A). Also called: Pidermolysis bullosa simplex 5A, Ogna type; EPIDERMOLYSIS BULLOSA SIMPLEX 5A, OGNA TYPE. Identifiers: Orphanet 79401, MedGen C0432317, MONDO:0007555, OMIM 131950.
Autosomal recessive limb-girdle muscular dystrophy type 2Q (LGMDR17). Also called: MUSCULAR DYSTROPHY, LIMB-GIRDLE, AUTOSOMAL RECESSIVE 17. Identifiers: Orphanet 254361, MedGen C3150989, MONDO:0013390, OMIM 613723.
Epidermolysis bullosa simplex 5C, with pyloric atresia (EBS5C). Also called: PLEC-Related Epidermolysis Bullosa with Pyloric Atresia; Epidermolysis bullosa simplex with pyloric atresia; PLEC1-Related Epidermolysis Bullosa with Pyloric Atresia. Identifiers: Orphanet 158684, MedGen C2677349, MONDO:0012807, OMIM 612138.
Epidermolysis bullosa simplex with nail dystrophy (EBS5D). Identifiers: MedGen C4225309, MONDO:0014661, OMIM 616487.
Epidermolysis bullosa simplex 5B, with muscular dystrophy (EBS5B). Also called: EPIDERMOLYSIS BULLOSA SIMPLEX AND LIMB-GIRDLE MUSCULAR DYSTROPHY; Epidermolysis bullosa simplex with muscular dystrophy. Identifiers: Orphanet 257, MedGen C2931072, MONDO:0009181, OMIM 226670.

Allele frequency attached by ClinVar (database versions not stated): gnomAD exomes 0.00468 and 0.00632; ExAC 0.00692; 1000 Genomes Project 0.01318; 1000 Genomes Project 30x 0.01405; ESP Exome Variant Server 0.01468; gnomAD 0.01532 and 0.01636; TOPMed 0.01731.
gnomAD v4.1: 9,277 of 1,613,086 alleles (0.58%); highest among the groups gnomAD compares: African/African-American, 4.1%; 96 homozygotes.

Submissions (8):

Labcorp Genetics (formerly Invitae), Labcorp
Classification: Benign for Autosomal recessive limb-girdle muscular dystrophy type 2Q; Epidermolysis bullosa simplex, Ogna type; Epidermolysis bullosa simplex with nail dystrophy; Epidermolysis bullosa simplex 5C, with pyloric atresia; Epidermolysis bullosa simplex 5B, with muscular dystrophy. Last evaluated: 2026-02-01. Review status: criteria provided, single submitter. Criteria: Invitae Variant Classification Sherloc (09022015). Collection method: clinical testing. Allele origin: germline.

Athena Diagnostics
Classification: Benign. Last evaluated: 2024-08-29. Review status: criteria provided, single submitter. Criteria: Athena Diagnostics Criteria. Collection method: clinical testing. Allele origin: unknown.

Mayo Clinic Laboratories, Mayo Clinic
Classification: Benign. Last evaluated: 2020-11-27. Review status: criteria provided, single submitter. Criteria: ACMG Guidelines, 2015. Collection method: clinical testing. Allele origin: germline. Observed: 17 variant alleles.

GeneDx
Classification: Benign. Last evaluated: 2016-06-29. Review status: criteria provided, single submitter. Criteria: GeneDx Variant Classification (06012015). Collection method: clinical testing. Allele origin: germline. Affected: yes.
Comment: This variant is considered likely benign or benign based on one or more of the following criteria: it is a conservative change, it occurs at a poorly conserved position in the protein, it is predicted to be benign by multiple in silico algorithms, and/or has population frequency not consistent with disease.

Laboratory for Molecular Medicine, Mass General Brigham Personalized Medicine
Classification: Benign. Last evaluated: 2015-01-13. Review status: criteria provided, single submitter. Criteria: LMM Criteria. Collection method: clinical testing. Allele origin: germline. Observed: 1 variant allele.
Comment: p.Ser3452Ser in exon 32 of PLEC: This variant is not expected to have clinical s ignificance because it does not alter an amino acid residue and is not located w ithin the splice consensus sequence. It has been identified in 3.5% (144/4072) o f African American chromosomes from a broad population by the NHLBI Exome Sequen cing Project (dbSNP rs28657061).

Eurofins Ntd Llc (ga)
Classification: Benign. Last evaluated: 2013-10-04. Review status: criteria provided, single submitter. Criteria: EGL Classification Definitions 2015. Collection method: clinical testing. Allele origin: germline. Observed: 1 variant allele, 1 heterozygote.

Breakthrough Genomics
Classification: Benign. Review status: criteria provided, single submitter. Criteria: ACMG Guidelines, 2015. Collection method: not provided. Allele origin: germline. Inheritance: Autosomal recessive inheritance. Affected: yes.

Genetic Services Laboratory, University of Chicago
Classification: Likely benign for AllHighlyPenetrant. Review status: no assertion criteria provided. Collection method: clinical testing. Allele origin: germline. Inheritance: Autosomal recessive inheritance. Not counted in ClinVar's aggregate classification.
Comment: Likely benign based on allele frequency in 1000 Genomes Project or ESP global frequency and its presence in a patient with a rare or unrelated disease phenotype. NOT Sanger confirmed.

NM_201384.3(PLEC):c.9945C>T (p.Ser3315=)

Gene: PLEC (plectin; minus strand). Cytogenetic location: 8q24.3.
Variant type: single nucleotide variant.
Coding change: c.9945C>T on transcript NM_201384.3 (MANE Select); coding-DNA position 9945, C replaced by T.
Protein change: p.Ser3315=; no amino-acid change (serine 3315 retained).
Molecular consequence: synonymous variant.
Genome position (GRCh38, 1-based): chr8:143,919,876, G>A on the plus strand (C>T on the coding strand, the complement: PLEC is on the minus strand). VCF-style: chr8-143919876-G-A. GRCh37 (hg19) VCF-style: chr8-144994044-G-A.
Other names: p.Ser3301=; c.10026C>T, p.Ser3342= (NM_000445.5); c.9903C>T, p.Ser3301= (NM_201378.4); c.9879C>T, p.Ser3293= (NM_201379.3); c.10356C>T, p.Ser3452= (NM_201380.4); c.9849C>T, p.Ser3283= (NM_201381.3); c.9945C>T, p.Ser3315= (NM_201382.4); c.9957C>T, p.Ser3319= (NM_201383.3).
Identifiers: ClinVar variation 93015 (VCV000093015.29), dbSNP rs28657061, ClinGen allele CA146187.